The following is an entry in ClinVar:

ClinVar aggregate classification (germline): Uncertain significance (1 of 4 stars; one submission).

Allele frequency attached by ClinVar (database versions not stated): gnomAD exomes below 0.00001; TOPMed 0.00001; gnomAD 0.00003.
gnomAD v4.1: 5 of 1,613,990 alleles (0.00031%); highest among the groups gnomAD compares: African/African-American, 0.0067%; no homozygotes.

Submission:

Ambry Genetics
Classification: Uncertain significance. Last evaluated: 2025-12-13. Review status: criteria provided, single submitter. Criteria: Ambry Variant Classification Scheme 2023. Collection method: clinical testing. Allele origin: germline.
Comment: The p.P1590T variant (also known as c.4768C>A), located in coding exon 42 of the KIF1B gene, results from a C to A substitution at nucleotide position 4768. The proline at codon 1590 is replaced by threonine, an amino acid with highly similar properties. This amino acid position is conserved. In addition, this alteration is predicted to be tolerated by in silico analysis. Since supporting evidence is limited at this time, the clinical significance of this alteration remains unclear.

NM_001365951.3(KIF1B):c.4906C>A (p.Pro1636Thr)

Gene: KIF1B (kinesin family member 1B; plus strand). Cytogenetic location: 1p36.22.
Variant type: single nucleotide variant.
Coding change: c.4906C>A on transcript NM_001365951.3 (MANE Select); coding-DNA position 4906, C replaced by A.
Protein change: p.Pro1636Thr; replaces proline 1636 with threonine.
Molecular consequence: missense variant.
Genome position (GRCh38, 1-based): chr1:10,371,222, C>A. VCF-style: chr1-10371222-C-A. GRCh37 (hg19) VCF-style: chr1-10431280-C-A.
Other names: c.4906C>A, p.Pro1636Thr (NM_001365952.1); c.4768C>A, p.Pro1590Thr (NM_015074.3); short protein forms P1590T, P1636T.
Identifiers: ClinVar variation 1742930 (VCV001742930.4), dbSNP rs1286090878, ClinGen allele CA338327701.